The following is an entry in ClinVar:

ClinVar aggregate classification (germline): Likely benign. Review status: criteria provided, multiple submitters, no conflicts (2 of 4 stars). 3 submissions from 3 submitters: Likely benign (3). Last evaluated 2025-06-19.

Conditions:
DNMT3A-related disorder. Also called: DNMT3A-related disorders; DNMT3A-related condition.
Tatton-Brown-Rahman overgrowth syndrome. Also called: Tall stature-intellectual disability-facial dysmorphism syndrome; Tatton-Brown-Rahman syndrome. Identifiers: Orphanet 404443, MedGen C4014545, MONDO:0014382, OMIM 615879.
Inborn genetic diseases. Identifiers: MedGen C0950123, MeSH D030342.

Allele frequency attached by ClinVar (database versions not stated): TOPMed 0.00001.
gnomAD v4.1: 1 of 1,614,100 alleles (0.000062%); highest among the groups gnomAD compares: Admixed American, 0.0017%; no homozygotes.

Submissions (3):

Labcorp Genetics (formerly Invitae), Labcorp
Classification: Likely benign for Tatton-Brown-Rahman overgrowth syndrome. Last evaluated: 2025-06-19. Review status: criteria provided, single submitter. Criteria: Invitae Variant Classification Sherloc (09022015). Collection method: clinical testing. Allele origin: germline.

Ambry Genetics
Classification: Likely benign for Inborn genetic diseases. Last evaluated: 2025-01-03. Review status: criteria provided, single submitter. Criteria: Ambry Variant Classification Scheme 2023. Collection method: clinical testing. Allele origin: germline.

PreventionGenetics, part of Exact Sciences
Classification: Likely benign for DNMT3A-related condition. Last evaluated: 2024-11-01. Review status: criteria provided, single submitter. Criteria: ACMG Guidelines, 2015. Collection method: clinical testing. Allele origin: germline.
Comment: This variant is classified as likely benign based on ACMG/AMP sequence variant interpretation guidelines (Richards et al. 2015 PMID: 25741868, with internal and published modifications).

NM_022552.5(DNMT3A):c.1074G>T (p.Thr358=)

Gene: DNMT3A (DNA methyltransferase 3 alpha; minus strand). Cytogenetic location: 2p23.3.
Variant type: single nucleotide variant.
Coding change: c.1074G>T on transcript NM_022552.5 (MANE Select); coding-DNA position 1074, G replaced by T.
Protein change: p.Thr358=; no amino-acid change (threonine 358 retained).
Molecular consequence: synonymous variant. On other transcripts: non-coding transcript variant (1).
Genome position (GRCh38, 1-based): chr2:25,247,099, C>A on the plus strand (G>T on the coding strand, the complement: DNMT3A is on the minus strand). VCF-style: chr2-25247099-C-A. GRCh37 (hg19) VCF-style: chr2-25469968-C-A.
Other names: c.1074G>T (NM_022552.3); c.618G>T, p.Thr206= (NM_001320893.1); c.405G>T, p.Thr135= (NM_001375819.1); c.507G>T, p.Thr169= (NM_153759.3); c.1074G>T, p.Thr358= (NM_175629.2).
Identifiers: ClinVar variation 1530211 (VCV001530211.10), dbSNP rs200905691, ClinGen allele CA43705916.